The following is an entry in ClinVar:

ClinVar aggregate classification (germline): Uncertain significance (1 of 4 stars; one submission).

gnomAD v4.1: 3 of 1,609,748 alleles (0.00019%); highest among the groups gnomAD compares: South Asian, 0.0022%; no homozygotes.

Submission:

GeneDx
Classification: Uncertain significance. Last evaluated: 2023-05-30. Review status: criteria provided, single submitter. Criteria: GeneDx Variant Classification Process June 2021. Collection method: clinical testing. Allele origin: germline. Affected: yes.
Comment: Not observed at significant frequency in large population cohorts (gnomAD); In silico analysis supports that this missense variant does not alter protein structure/function; Has not been previously published as pathogenic or benign to our knowledge

NM_001358921.2(COQ2):c.560G>C (p.Gly187Ala)

Gene: COQ2 (coenzyme Q2, polyprenyltransferase; minus strand). Cytogenetic location: 4q21.23.
Variant type: single nucleotide variant.
Coding change: c.560G>C on transcript NM_001358921.2 (MANE Select); coding-DNA position 560, G replaced by C.
Protein change: p.Gly187Ala; replaces glycine 187 with alanine.
Molecular consequence: missense variant.
Genome position (GRCh38, 1-based): chr4:83,272,155, C>G on the plus strand (G>C on the coding strand, the complement: COQ2 is on the minus strand). VCF-style: chr4-83272155-C-G. GRCh37 (hg19) VCF-style: chr4-84193308-C-G.
Other names: c.710G>C, p.Gly237Ala (NM_015697.9); short protein forms G187A, G237A.
Identifiers: ClinVar variation 3362118 (VCV003362118.1).